The following is an entry in ClinVar:

NM_001388492.1(HTT):c.9209C>T (p.Ala3070Val)

Gene: HTT (huntingtin; plus strand). Cytogenetic location: 4p16.3.
Variant type: single nucleotide variant.
Coding change: c.9209C>T on transcript NM_001388492.1 (MANE Select); coding-DNA position 9209, C replaced by T.
Protein change: p.Ala3070Val; replaces alanine 3070 with valine.
Molecular consequence: missense variant.
Genome position (GRCh38, 1-based): chr4:3,238,972, C>T. VCF-style: chr4-3238972-C-T. GRCh37 (hg19) VCF-style: chr4-3240699-C-T.
Other names: c.9215C>T, p.Ala3072Val (NM_002111.8); short protein forms A3070V, A3072V.
Identifiers: ClinVar variation 1397699 (VCV001397699.6), dbSNP rs746808887, ClinGen allele CA2825917.

ClinVar aggregate classification (germline): Uncertain significance (1 of 4 stars; one submission).

Allele frequency attached by ClinVar (database versions not stated): ExAC 0.00002; gnomAD 0.00002; TOPMed 0.00002; gnomAD exomes 0.00005 and 0.00006.
gnomAD v4.1: 79 of 1,604,538 alleles (0.0049%); highest among the groups gnomAD compares: South Asian, 0.033%; no homozygotes.

Submission:

Labcorp Genetics (formerly Invitae), Labcorp
Classification: Uncertain significance. Last evaluated: 2024-10-16. Review status: criteria provided, single submitter. Criteria: Invitae Variant Classification Sherloc (09022015). Collection method: clinical testing. Allele origin: germline.
Comment: This sequence change replaces alanine, which is neutral and non-polar, with valine, which is neutral and non-polar, at codon 3072 of the HTT protein (p.Ala3072Val). This variant is present in population databases (rs746808887, gnomAD 0.02%). This variant has not been reported in the literature in individuals affected with HTT-related conditions. ClinVar contains an entry for this variant (Variation ID: 1397699). Experimental studies and prediction algorithms are not available or were not evaluated, and the functional significance of this variant is currently unknown. In summary, the available evidence is currently insufficient to determine the role of this variant in disease. Therefore, it has been classified as a Variant of Uncertain Significance.